The following is an entry in ClinVar:

NM_015338.6(ASXL1):c.1366A>G (p.Thr456Ala)

Gene: ASXL1 (ASXL transcriptional regulator 1; plus strand). Cytogenetic location: 20q11.21.
Variant type: single nucleotide variant.
Coding change: c.1366A>G on transcript NM_015338.6 (MANE Select); coding-DNA position 1366, A replaced by G.
Protein change: p.Thr456Ala; replaces threonine 456 with alanine.
Molecular consequence: missense variant.
Genome position (GRCh38, 1-based): chr20:32,433,564, A>G. VCF-style: chr20-32433564-A-G. GRCh37 (hg19) VCF-style: chr20-31021367-A-G.
Other names: c.1183A>G, p.Thr395Ala (NM_001363734.1); short protein forms T395A, T456A.
Identifiers: ClinVar variation 3793426 (VCV003793426.1).

ClinVar aggregate classification (germline): Uncertain significance (1 of 4 stars; one submission).

Conditions:
Inborn genetic diseases. Identifiers: MedGen C0950123, MeSH D030342.

Submission:

Ambry Genetics
Classification: Uncertain significance for Inborn genetic diseases. Last evaluated: 2025-02-11. Review status: criteria provided, single submitter. Criteria: Ambry Variant Classification Scheme 2023. Collection method: clinical testing. Allele origin: germline.
Comment: The p.T456A variant (also known as c.1366A>G), located in coding exon 12 of the ASXL1 gene, results from an A to G substitution at nucleotide position 1366. The threonine at codon 456 is replaced by alanine, an amino acid with similar properties. This amino acid position is conserved. In addition, this alteration is predicted to be tolerated by in silico analysis. Based on the available evidence, the clinical significance of this variant remains unclear.